The following is an entry in ClinVar:

ClinVar aggregate classification (germline): Conflicting classifications of pathogenicity. Review status: criteria provided, conflicting classifications (1 of 4 stars). 4 submissions from 4 submitters: Uncertain significance (3); Likely benign (1). Last evaluated 2024-06-06.

Conditions:
Tuberous sclerosis 1 (TSC1). Identifiers: Orphanet 805, MedGen C1854465, MONDO:0008612, OMIM 191100.
Hereditary cancer-predisposing syndrome. Also called: Hereditary neoplastic syndrome; Tumor predisposition; Neoplastic Syndromes, Hereditary; Hereditary Cancer Syndrome. Identifiers: Orphanet 140162, MedGen C0027672, MeSH D009386, MONDO:0015356.

Allele frequency attached by ClinVar (database versions not stated): gnomAD exomes below 0.00001.

Submissions (4):

Ambry Genetics
Classification: Likely benign for Hereditary cancer-predisposing syndrome. Last evaluated: 2024-06-06. Review status: criteria provided, single submitter. Criteria: Ambry Variant Classification Scheme 2023. Collection method: clinical testing. Allele origin: germline.

Labcorp Genetics (formerly Invitae), Labcorp
Classification: Uncertain significance for Tuberous sclerosis 1. Last evaluated: 2024-05-16. Review status: criteria provided, single submitter. Criteria: Invitae Variant Classification Sherloc (09022015). Collection method: clinical testing. Allele origin: germline.
Comment: This sequence change replaces methionine, which is neutral and non-polar, with isoleucine, which is neutral and non-polar, at codon 1109 of the TSC1 protein (p.Met1109Ile). This variant is not present in population databases (gnomAD no frequency). This variant has not been reported in the literature in individuals affected with TSC1-related conditions. ClinVar contains an entry for this variant (Variation ID: 951103). Advanced modeling of protein sequence and biophysical properties (such as structural, functional, and spatial information, amino acid conservation, physicochemical variation, residue mobility, and thermodynamic stability) performed at Invitae indicates that this missense variant is not expected to disrupt TSC1 protein function with a negative predictive value of 95%. In summary, the available evidence is currently insufficient to determine the role of this variant in disease. Therefore, it has been classified as a Variant of Uncertain Significance.

Genome-Nilou Lab
Classification: Uncertain significance for Tuberous sclerosis 1. Last evaluated: 2021-11-07. Review status: criteria provided, single submitter. Criteria: ACMG Guidelines, 2015. Collection method: clinical testing. Allele origin: germline. Affected: no.

Human Genome Sequencing Center Clinical Lab, Baylor College of Medicine
Classification: Uncertain significance for Tuberous sclerosis type 1. Review status: criteria provided, single submitter. Criteria: ACMG Guidelines, 2015. Collection method: clinical testing. Allele origin: germline.

NM_000368.5(TSC1):c.3327G>T (p.Met1109Ile)

Gene: TSC1 (TSC complex subunit 1; minus strand). Cytogenetic location: 9q34.13.
Variant type: single nucleotide variant.
Coding change: c.3327G>T on transcript NM_000368.5 (MANE Select); coding-DNA position 3327, G replaced by T.
Protein change: p.Met1109Ile; replaces methionine 1109 with isoleucine.
Molecular consequence: missense variant.
Genome position (GRCh38, 1-based): chr9:132,896,403, C>A on the plus strand (G>T on the coding strand, the complement: TSC1 is on the minus strand). VCF-style: chr9-132896403-C-A. GRCh37 (hg19) VCF-style: chr9-135771790-C-A.
Other names: c.3324G>T, p.Met1108Ile (NM_001162426.2); c.3174G>T, p.Met1058Ile (NM_001162427.2); c.2964G>T, p.Met988Ile (NM_001362177.2); short protein forms M988I, M1058I, M1108I, M1109I.
Identifiers: ClinVar variation 951103 (VCV000951103.11), dbSNP rs1845043593, ClinGen allele CA375366607.
Genomic context (GRCh38, chr9:132,896,403, plus strand): 5'-GGCTTCCACACCCAAGTCTTTGCCCAGTTCTGTCTTTAGGCTCTCAGAAAGGCTACTGGT[C>A]ATGCCGTCCTCATCACACTGGCTCTCGCTCTTATTACGAAATAACTCTCGAGCCTTCATA-3'
Protein context (NP_000359.1, residues 1099-1119): KSESQCDEDG[Met1109Ile]TSSLSESLKT